The following is an entry in ClinVar:

NM_001195248.2(APTX):c.282T>A (p.Tyr94Ter)

Gene: APTX (aprataxin; minus strand). Cytogenetic location: 9p21.1.
Variant type: single nucleotide variant.
Coding change: c.282T>A on transcript NM_001195248.2 (MANE Select); coding-DNA position 282, T replaced by A.
Protein change: p.Tyr94Ter; replaces tyrosine 94 with a stop codon.
Molecular consequence: nonsense. On other transcripts: intron variant (5), non-coding transcript variant (3).
Genome position (GRCh38, 1-based): chr9:32,987,745, A>T on the plus strand (T>A on the coding strand, the complement: APTX is on the minus strand). VCF-style: chr9-32987745-A-T. GRCh37 (hg19) VCF-style: chr9-32987743-A-T.
Other names: c.282T>A, p.Tyr94Ter (NM_001195249.2, NM_001195251.2, NM_001368995.1 and 6 more transcripts); c.18T>A, p.Tyr6Ter (NM_001369002.1, NM_001369003.1, NM_001369004.1 and 5 more transcripts); c.134-14T>A (NM_001195250.2, NM_001195254.2, NM_001369001.1 and 1 more transcripts); c.267+15T>A (NM_001195252.2); short protein forms Y6*, Y94*.
Identifiers: ClinVar variation 5018838 (VCV005018838.2).

ClinVar aggregate classification (germline): Likely pathogenic (1 of 4 stars; one submission).

Conditions:
Ataxia, early-onset, with oculomotor apraxia and hypoalbuminemia (EAOH). Also called: Ataxia-oculomotor apraxia type 1; ATAXIA-OCULOMOTOR APRAXIA SYNDROME; ATAXIA-TELANGIECTASIA-LIKE SYNDROME. Identifiers: Orphanet 1168, MedGen C1859598, MONDO:0008842, OMIM 208920.

Submission:

Juno Genomics, Hangzhou Juno Genomics, Inc
Classification: Likely pathogenic for Ataxia, early-onset, with oculomotor apraxia and hypoalbuminemia. Review status: criteria provided, single submitter. Criteria: ACMG Guidelines, 2015. Collection method: clinical testing. Allele origin: germline.
Comment: Absent from controls (or at extremely low frequency if recessive) in Genome Aggregation Database.;Null variant in a gene where loss of function (LOF) is a known mechanism of disease.